The following is an entry in ClinVar:

ClinVar aggregate classification (germline): Uncertain significance. Review status: criteria provided, multiple submitters, no conflicts (2 of 4 stars). 2 submissions from 2 submitters: Uncertain significance (2). Last evaluated 2026-04-21.

Conditions:
Hereditary nonpolyposis colorectal neoplasms. Identifiers: MedGen C0009405, MeSH D003123.
Hereditary cancer-predisposing syndrome. Also called: Hereditary Cancer Syndrome; Tumor predisposition; Hereditary neoplastic syndrome; Neoplastic Syndromes, Hereditary. Identifiers: Orphanet 140162, MedGen C0027672, MeSH D009386, MONDO:0015356.

Allele frequency attached by ClinVar (database versions not stated): gnomAD exomes below 0.00001.
gnomAD v4.1: 5 of 1,614,176 alleles (0.00031%); highest among the groups gnomAD compares: Non-Finnish European, 0.00042%; no homozygotes.

Submissions (2):

Ambry Genetics
Classification: Uncertain significance for Hereditary cancer-predisposing syndrome. Last evaluated: 2026-04-21. Review status: criteria provided, single submitter. Criteria: Ambry Variant Classification Scheme 2023. Collection method: clinical testing. Allele origin: germline.

Labcorp Genetics (formerly Invitae), Labcorp
Classification: Uncertain significance for Hereditary nonpolyposis colorectal neoplasms. Last evaluated: 2024-04-15. Review status: criteria provided, single submitter. Criteria: Invitae Variant Classification Sherloc (09022015). Collection method: clinical testing. Allele origin: germline.
Comment: This sequence change replaces aspartic acid, which is acidic and polar, with glycine, which is neutral and non-polar, at codon 763 of the MSH6 protein (p.Asp763Gly). This variant is present in population databases (no rsID available, gnomAD 0.0009%). This variant has not been reported in the literature in individuals affected with MSH6-related conditions. ClinVar contains an entry for this variant (Variation ID: 410460). Advanced modeling of protein sequence and biophysical properties (such as structural, functional, and spatial information, amino acid conservation, physicochemical variation, residue mobility, and thermodynamic stability) has been performed at Invitae for this missense variant, however the output from this modeling did not meet the statistical confidence thresholds required to predict the impact of this variant on MSH6 protein function. In summary, the available evidence is currently insufficient to determine the role of this variant in disease. Therefore, it has been classified as a Variant of Uncertain Significance.

NM_000179.3(MSH6):c.2288A>G (p.Asp763Gly)

Gene: MSH6 (mutS homolog 6; plus strand). Cytogenetic location: 2p16.3.
Variant type: single nucleotide variant.
Coding change: c.2288A>G on transcript NM_000179.3 (MANE Select); coding-DNA position 2288, A replaced by G.
Protein change: p.Asp763Gly; replaces aspartic acid 763 with glycine.
Molecular consequence: missense variant.
Genome position (GRCh38, 1-based): chr2:47,800,271, A>G. VCF-style: chr2-47800271-A-G. GRCh37 (hg19) VCF-style: chr2-48027410-A-G.
Other names: c.1898A>G, p.Asp633Gly (NM_001281492.2); c.1382A>G, p.Asp461Gly (NM_001281493.2, NM_001281494.2); short protein forms D763G, D461G, D633G.
Identifiers: ClinVar variation 410460 (VCV000410460.13), dbSNP rs1060502913, ClinGen allele CA16610931.